The following is an entry in ClinVar:

NM_003108.4(SOX11):c.365A>G (p.Lys122Arg)

Gene: SOX11 (SRY-box transcription factor 11; plus strand). Cytogenetic location: 2p25.2.
Variant type: single nucleotide variant.
Coding change: c.365A>G on transcript NM_003108.4 (MANE Select); coding-DNA position 365, A replaced by G.
Protein change: p.Lys122Arg; replaces lysine 122 with arginine.
Molecular consequence: missense variant.
Genome position (GRCh38, 1-based): chr2:5,693,086, A>G. VCF-style: chr2-5693086-A-G. GRCh37 (hg19) VCF-style: chr2-5833218-A-G.
Other names: short protein forms K122R.
Identifiers: ClinVar variation 3781043 (VCV003781043.1).
Genomic context (GRCh38, chr2:5,693,086, plus strand): 5'-CGGAGCGGCTGCGGCTCAAGCACATGGCCGACTACCCCGACTACAAGTACCGGCCCCGGA[A>G]AAAGCCCAAAATGGACCCCTCGGCCAAGCCCAGCGCCAGCCAGAGCCCAGAGAAGAGCGC-3'
Protein context (NP_003099.1, residues 112-132): DYPDYKYRPR[Lys122Arg]KPKMDPSAKP

ClinVar aggregate classification (germline): Uncertain significance (1 of 4 stars; one submission).

Submission:

GeneDx
Classification: Uncertain significance. Last evaluated: 2024-10-18. Review status: criteria provided, single submitter. Criteria: GeneDx Variant Classification Process June 2021. Collection method: clinical testing. Allele origin: germline. Affected: yes.
Comment: Not observed at significant frequency in large population cohorts (gnomAD); In silico analysis supports that this missense variant has a deleterious effect on protein structure/function; Has not been previously published as pathogenic or benign to our knowledge